The following is an entry in ClinVar:

ClinVar aggregate classification (germline): Benign/Likely benign. Review status: criteria provided, multiple submitters, no conflicts (2 of 4 stars). 5 submissions from 5 submitters: Benign (1); Likely benign (4). Last evaluated 2025-10-30.

Conditions:
Hereditary cancer-predisposing syndrome. Also called: Neoplastic Syndromes, Hereditary; Hereditary Cancer Syndrome; Tumor predisposition; Hereditary neoplastic syndrome. Identifiers: Orphanet 140162, MedGen C0027672, MeSH D009386, MONDO:0015356.
Familial cancer of breast. Also called: Hereditary breast cancer; BREAST CANCER, FAMILIAL; hereditary breast carcinoma. Identifiers: Orphanet 227535, MedGen C0346153, MONDO:0016419, OMIM 114480. Disease mechanism: loss of function.
Ataxia-telangiectasia syndrome (AT). Also called: LOUIS-BAR SYNDROME; Cerebello-oculocutaneous telangiectasia; Immunodeficiency with ataxia telangiectasia; Ataxia-telangiectasia, complementation group D; AT, COMPLEMENTATION GROUP C; Ataxia-telangiectasia, complementation group E. Identifiers: Orphanet 100, MedGen C0004135, MONDO:0008840, OMIM 208900.

Allele frequency attached by ClinVar (database versions not stated): gnomAD exomes below 0.00001; ExAC 0.00001; 1000 Genomes Project 30x 0.00016; 1000 Genomes Project 0.00020; gnomAD 0.00001.
gnomAD v4.1: 2 of 1,614,172 alleles (0.00012%); highest among the groups gnomAD compares: African/African-American, 0.0027%; no homozygotes.

Submissions (5):

Labcorp Genetics (formerly Invitae), Labcorp
Classification: Likely benign for Ataxia-telangiectasia syndrome. Last evaluated: 2025-10-30. Review status: criteria provided, single submitter. Criteria: Invitae Variant Classification Sherloc (09022015). Collection method: clinical testing. Allele origin: germline.

Myriad Genetics, Inc.
Classification: Benign for Familial cancer of breast. Last evaluated: 2024-06-24. Review status: criteria provided, single submitter. Criteria: Myriad Autosomal Dominant, Autosomal Recessive and X-Linked Classification Criteria (2023). Collection method: clinical testing. Allele origin: unknown.
Comment: This variant is considered benign. This variant is a silent/synonymous amino acid change and it is not expected to impact splicing.

Ambry Genetics
Classification: Likely benign for Hereditary cancer-predisposing syndrome. Last evaluated: 2017-03-14. Review status: criteria provided, single submitter. Criteria: Ambry Variant Classification Scheme 2023. Collection method: clinical testing. Allele origin: germline.

GeneDx
Classification: Likely benign. Last evaluated: 2016-03-30. Review status: criteria provided, single submitter. Criteria: GeneDx Variant Classification (06012015). Collection method: clinical testing. Allele origin: germline. Affected: yes.
Comment: This variant is considered likely benign or benign based on one or more of the following criteria: it is a conservative change, it occurs at a poorly conserved position in the protein, it is predicted to be benign by multiple in silico algorithms, and/or has population frequency not consistent with disease.

Color Diagnostics, LLC DBA Color Health
Classification: Likely benign for Hereditary cancer-predisposing syndrome. Last evaluated: 2015-11-17. Review status: criteria provided, single submitter. Criteria: ACMG Guidelines, 2015. Collection method: clinical testing. Allele origin: germline.

NM_000051.4(ATM):c.9048A>G (p.Lys3016=)

Genes: ATM (ATM serine/threonine kinase; plus strand), C11orf65 (chromosome 11 open reading frame 65; minus strand). Cytogenetic location: 11q22.3.
Variant type: single nucleotide variant.
Coding change: c.9048A>G on transcript NM_000051.4 (MANE Select); coding-DNA position 9048, A replaced by G.
Protein change: p.Lys3016=; no amino-acid change (lysine 3016 retained).
Molecular consequence: synonymous variant. On other transcripts: intron variant (2).
Genome position (GRCh38, 1-based): chr11:108,365,385, A>G. VCF-style: chr11-108365385-A-G. GRCh37 (hg19) VCF-style: chr11-108236112-A-G.
Other names: c.9048A>G, p.Lys3016= (NM_001351834.2); c.640+20535T>C (NM_001330368.2); c.694+20535T>C (NM_001351110.2).
Identifiers: ClinVar variation 385178 (VCV000385178.19), dbSNP rs553001467, ClinGen allele CA6266516.